The following is an entry in ClinVar:

NM_001244008.2(KIF1A):c.2093A>G (p.Glu698Gly)

Gene: KIF1A (kinesin family member 1A; minus strand). Cytogenetic location: 2q37.3.
Variant type: single nucleotide variant.
Coding change: c.2093A>G on transcript NM_001244008.2 (MANE Select); coding-DNA position 2093, A replaced by G.
Protein change: p.Glu698Gly; replaces glutamic acid 698 with glycine.
Molecular consequence: missense variant.
Genome position (GRCh38, 1-based): chr2:240,762,742, T>C on the plus strand (A>G on the coding strand, the complement: KIF1A is on the minus strand). VCF-style: chr2-240762742-T-C. GRCh37 (hg19) VCF-style: chr2-241702159-T-C.
Other names: c.2093A>G, p.Glu698Gly (NM_001320705.2, NM_001330289.2, NM_001379638.1); c.2168A>G, p.Glu723Gly (NM_001330290.2, NM_001379631.1, NM_001379634.1 and 2 more transcripts); c.2066A>G, p.Glu689Gly (NM_001379632.1, NM_001379633.1, NM_001379636.1 and 10 more transcripts); c.2141A>G, p.Glu714Gly (NM_001379637.1, NM_001379648.1); short protein forms E689G, E698G, E714G, E723G.
Identifiers: ClinVar variation 4536814 (VCV004536814.1).

ClinVar aggregate classification (germline): Uncertain significance (1 of 4 stars; one submission).

gnomAD v4.1: 1 of 1,595,746 alleles (0.000063%); highest among the groups gnomAD compares: Admixed American, 0.0017%; no homozygotes.

Submission:

Women's Health and Genetics/Laboratory Corporation of America, LabCorp
Classification: Uncertain significance. Last evaluated: 2025-11-11. Review status: criteria provided, single submitter. Criteria: LabCorp Variant Classification Summary - May 2015. Collection method: clinical testing. Allele origin: germline.
Comment: Variant summary: KIF1A c.2066A>G (p.Glu689Gly) results in a non-conservative amino acid change in the encoded protein sequence. Algorithms developed to predict the effect of missense changes on protein structure and function are either unavailable or do not agree on the potential impact of this missense change. The variant was absent in 242862 control chromosomes. The available data on variant occurrences in the general population are insufficient to allow any conclusion about variant significance. To our knowledge, no occurrence of c.2066A>G in individuals affected with KIF1A-related conditions and no experimental evidence demonstrating its impact on protein function have been reported. No submitters have cited clinical-significance assessments for this variant to ClinVar. Based on the evidence outlined above, the variant was classified as uncertain significance.